The following is an entry in ClinVar:

ClinVar aggregate classification (germline): Likely benign (0 of 4 stars; one submission).

Conditions:
OPTC-related disorder. Also called: OPTC-related condition.

Allele frequency attached by ClinVar (database versions not stated): gnomAD exomes 0.00097; ExAC 0.00129; 1000 Genomes Project 0.00160; 1000 Genomes Project 30x 0.00172; gnomAD 0.00238; TOPMed 0.00266; ESP Exome Variant Server 0.00277.

Submission:

PreventionGenetics, part of Exact Sciences
Classification: Likely benign for OPTC-related condition. Last evaluated: 2023-01-10. Review status: no assertion criteria provided. Collection method: clinical testing. Allele origin: germline.
Comment: This variant is classified as likely benign based on ACMG/AMP sequence variant interpretation guidelines (Richards et al. 2015 PMID: 25741868, with internal and published modifications).

NM_014359.4(OPTC):c.989G>A (p.Arg330His)

Gene: OPTC (opticin; plus strand). Cytogenetic location: 1q32.1.
Variant type: single nucleotide variant.
Coding change: c.989G>A on transcript NM_014359.4 (MANE Select); coding-DNA position 989, G replaced by A.
Protein change: p.Arg330His; replaces arginine 330 with histidine.
Molecular consequence: missense variant.
Genome position (GRCh38, 1-based): chr1:203,503,710, G>A. VCF-style: chr1-203503710-G-A. GRCh37 (hg19) VCF-style: chr1-203472838-G-A.
Other names: short protein forms R330H.
Identifiers: ClinVar variation 3048718 (VCV003048718.2), dbSNP rs116126526, ClinGen allele CA1341250.
Genomic context (GRCh38, chr1:203,503,710, plus strand): 5'-CCATCAACCTCAGCCTCTTCCCCAGCGCCTACTTCTGCCTGCCTCGGCTCCCCATCGGCC[G>A]CTTCACGTAGCTCGGAGCCCTTCCACTCCTCCCAGGTAAGAACCCTCCAAGGACCATGCA-3'
Protein context (NP_055174.1, residues 320-332): YFCLPRLPIG[Arg330His]FT